The following is an entry in ClinVar:

ClinVar aggregate classification (germline): Pathogenic/Likely pathogenic. Review status: criteria provided, multiple submitters, no conflicts (2 of 4 stars). 2 submissions from 2 submitters: Pathogenic (1); Likely pathogenic (1). Last evaluated 2024-09-10.

Conditions:
Autosomal recessive Alport syndrome (ATS2). Also called: Alport syndrome type 2; COL4A3-Related Nephropathy; COL4A4 Alport Syndrome and Thin Basement Membrane Nephropathy; ALPORT SYNDROME 2, AUTOSOMAL RECESSIVE. Identifiers: Orphanet 63, Orphanet 88919, MedGen C4746745, MONDO:0008762, OMIM 203780.
Hematuria, benign familial, 1 (BFH1). Also called: THIN MEMBRANE NEPHROPATHY. Identifiers: MedGen CN376803, MONDO:0007709, OMIM 141200.

Submissions (2):

GeneDx
Classification: Pathogenic. Last evaluated: 2024-09-10. Review status: criteria provided, single submitter. Criteria: GeneDx Variant Classification Process June 2021. Collection method: clinical testing. Allele origin: germline. Affected: yes.
Comment: Nonsense variant predicted to result in protein truncation or nonsense mediated decay in a gene for which loss of function is a known mechanism of disease; Has not been previously published as pathogenic or benign to our knowledge; Not observed at significant frequency in large population cohorts (gnomAD)

Fulgent Genetics
Classification: Likely pathogenic for Hematuria, benign familial, 1; Autosomal recessive Alport syndrome. Last evaluated: 2024-04-24. Review status: criteria provided, single submitter. Criteria: ACMG Guidelines, 2015. Collection method: clinical testing. Allele origin: germline.

NM_000092.5(COL4A4):c.1777G>T (p.Gly593Ter)

Gene: COL4A4 (collagen type IV alpha 4 chain; minus strand). Cytogenetic location: 2q36.3.
Variant type: single nucleotide variant.
Coding change: c.1777G>T on transcript NM_000092.5 (MANE Select); coding-DNA position 1777, G replaced by T.
Protein change: p.Gly593Ter; replaces glycine 593 with a stop codon.
Molecular consequence: nonsense.
Genome position (GRCh38, 1-based): chr2:227,080,469, C>A on the plus strand (G>T on the coding strand, the complement: COL4A4 is on the minus strand). VCF-style: chr2-227080469-C-A. GRCh37 (hg19) VCF-style: chr2-227945185-C-A.
Other names: short protein forms G593*.
Identifiers: ClinVar variation 3585867 (VCV003585867.2).